The following is an entry in ClinVar:

NM_001039141.3(TRIOBP):c.3890G>A (p.Gly1297Asp)

Gene: TRIOBP (TRIO and F-actin binding protein; plus strand). Cytogenetic location: 22q13.1.
Variant type: single nucleotide variant.
Coding change: c.3890G>A on transcript NM_001039141.3 (MANE Select); coding-DNA position 3890, G replaced by A.
Protein change: p.Gly1297Asp; replaces glycine 1297 with aspartic acid.
Molecular consequence: missense variant.
Genome position (GRCh38, 1-based): chr22:37,726,446, G>A. VCF-style: chr22-37726446-G-A. GRCh37 (hg19) VCF-style: chr22-38122453-G-A.
Other names: short protein forms G1297D.
Identifiers: ClinVar variation 1919333 (VCV001919333.5), dbSNP rs774177733, ClinGen allele CA10224244.
Genomic context (GRCh38, chr22:37,726,446, plus strand): 5'-CCCCACCCAGGAGGCTGGCCCAGAGACAGCCAGGGCCCCAGGCGCAGTGCAGCAGCGGGG[G>A]CCGCACCCACAGCCCTGGCCGTGCAGAGGTGGAGCGCCTCTTCGGGCAAGAGCGCAGGTG-3'
Protein context (NP_001034230.1, residues 1287-1307): PGPQAQCSSG[Gly1297Asp]RTHSPGRAEV

ClinVar aggregate classification (germline): Uncertain significance (1 of 4 stars; one submission).

Allele frequency attached by ClinVar (database versions not stated): gnomAD 0.00001; TOPMed 0.00001; ExAC 0.00002.
gnomAD v4.1: 14 of 1,572,172 alleles (0.00089%); highest among the groups gnomAD compares: South Asian, 0.0011%; no homozygotes.

Submission:

Labcorp Genetics (formerly Invitae), Labcorp
Classification: Uncertain significance. Last evaluated: 2022-02-20. Review status: criteria provided, single submitter. Criteria: Invitae Variant Classification Sherloc (09022015). Collection method: clinical testing. Allele origin: germline.
Comment: In summary, the available evidence is currently insufficient to determine the role of this variant in disease. Therefore, it has been classified as a Variant of Uncertain Significance. Algorithms developed to predict the effect of missense changes on protein structure and function output the following: SIFT: "Deleterious"; PolyPhen-2: "Probably Damaging"; Align-GVGD: "Class C0". The aspartic acid amino acid residue is found in multiple mammalian species, which suggests that this missense change does not adversely affect protein function. This variant has not been reported in the literature in individuals affected with TRIOBP-related conditions. This variant is present in population databases (rs774177733, gnomAD 0.004%). This sequence change replaces glycine, which is neutral and non-polar, with aspartic acid, which is acidic and polar, at codon 1297 of the TRIOBP protein (p.Gly1297Asp).